The following is an entry in ClinVar:

ClinVar aggregate classification (germline): Pathogenic. Review status: criteria provided, multiple submitters, no conflicts (2 of 4 stars). 3 submissions from 3 submitters: Pathogenic (3). Last evaluated 2025-06-13.

Conditions:
Cardiovascular phenotype. Identifiers: MedGen CN230736.
Hereditary cancer-predisposing syndrome. Also called: Neoplastic Syndromes, Hereditary; Tumor predisposition; Hereditary Cancer Syndrome; Hereditary neoplastic syndrome. Identifiers: Orphanet 140162, MedGen C0027672, MeSH D009386, MONDO:0015356.
LZTR1-related schwannomatosis. Also called: Schwannomatosis-2, susceptibility to; Schwannomatosis 2. Identifiers: Orphanet 93921, MedGen C3810283, MONDO:0014299, OMIM 615670.

Submissions (3):

Ambry Genetics
Classification: Pathogenic for Cardiovascular phenotype; Hereditary cancer-predisposing syndrome. Last evaluated: 2025-06-13. Review status: criteria provided, single submitter. Criteria: Ambry Variant Classification Scheme 2023. Collection method: clinical testing. Allele origin: germline.
Comment: The c.1893delG pathogenic mutation, located in coding exon 16 of the LZTR1 gene, results from a deletion of one nucleotide at nucleotide position 1893, causing a translational frameshift with a predicted alternate stop codon (p.K632Sfs*20). This variant was reported in individual(s) with features consistent with LZTR1-related schwannomatosis (Smith MJ et al. Neurology, 2015 Jan;84:141-7). This variant is considered to be rare based on population cohorts in the Genome Aggregation Database (gnomAD). This alteration is expected to result in loss of function by premature protein truncation or nonsense-mediated mRNA decay. Loss-of-function variants in LZTR1 are related to an increased risk for schwannomas and autosomal recessive Noonan syndrome; however, such associations with autosomal dominant Noonan syndrome have not been observed (Piotrowski A et al. Nat Genet. 2014 Feb;46:182-7; Yamamoto GL et al. J Med Genet. 2015 Jun;52:413-21; Johnston JJ et al. Genet Med. 2018 10;20:1175-1185). Based on the supporting evidence, this variant is pathogenic for an increased risk of LZTR1-related schwannomatosis (SWN) and would be expected to cause autosomal recessive Noonan syndrome when present along with a second pathogenic or likely pathogenic variant on the other allele; however, the association of this alteration with autosomal dominant Noonan syndrome is unlikely.

Labcorp Genetics (formerly Invitae), Labcorp
Classification: Pathogenic. Last evaluated: 2024-01-27. Review status: criteria provided, single submitter. Criteria: Invitae Variant Classification Sherloc (09022015). Collection method: clinical testing. Allele origin: germline.
Comment: This sequence change creates a premature translational stop signal (p.Lys632Serfs*20) in the LZTR1 gene. It is expected to result in an absent or disrupted protein product. Loss-of-function variants in LZTR1 are known to be pathogenic (PMID: 24362817, 25335493, 25480913, 25795793, 29469822, 30368668, 30442762, 30442766, 30481304, 30859559). This variant is not present in population databases (gnomAD no frequency). This premature translational stop signal has been observed in individual(s) with schwannomatosis (PMID: 25480913). ClinVar contains an entry for this variant (Variation ID: 1710023). For these reasons, this variant has been classified as Pathogenic.

MGZ Medical Genetics Center
Classification: Pathogenic for LZTR1-related schwannomatosis. Last evaluated: 2021-10-11. Review status: criteria provided, single submitter. Criteria: ACMG Guidelines, 2015. Collection method: clinical testing. Allele origin: germline. Affected: yes. Observed: 1 variant allele.
Comment: ACMG criteria applied: PVS1, PS4_SUP, PM2_SUP

Literature cited by the submitters: PubMed 25480913 (cited by Ambry Genetics and Labcorp Genetics (formerly Invitae), Labcorp); PubMed 24362817 (cited by Labcorp Genetics (formerly Invitae), Labcorp); PubMed 25335493 (cited by Labcorp Genetics (formerly Invitae), Labcorp); PubMed 25795793 (cited by Labcorp Genetics (formerly Invitae), Labcorp); PubMed 29469822 (cited by Labcorp Genetics (formerly Invitae), Labcorp); PubMed 30368668 (cited by Labcorp Genetics (formerly Invitae), Labcorp); PubMed 30442762 (cited by Labcorp Genetics (formerly Invitae), Labcorp); PubMed 30442766 (cited by Labcorp Genetics (formerly Invitae), Labcorp); PubMed 30481304 (cited by Labcorp Genetics (formerly Invitae), Labcorp); PubMed 30859559 (cited by Labcorp Genetics (formerly Invitae), Labcorp).

NM_006767.4(LZTR1):c.1893del (p.Lys632fs)

Gene: LZTR1 (leucine zipper like post translational regulator 1; plus strand). Cytogenetic location: 22q11.21.
Variant type: Deletion.
Coding change: c.1893del on transcript NM_006767.4 (MANE Select); coding-DNA position 1893, one base deleted (G; older notation c.1893delG).
Protein change: p.Lys632fs; shifts the reading frame from lysine 632.
Molecular consequence: frameshift variant.
Genome position (GRCh38, 1-based): chr22:20,994,977, G deleted; the last of 2 consecutive G bases (chr22:20,994,976-20,994,977); deleting either gives the same sequence. VCF-style (leftmost placement, unchanged base first): chr22-20994975-CG-C. GRCh37 (hg19) VCF-style: chr22-21349264-CG-C.
Other names: c.1893delG (NM_006767.3); short protein forms K632fs.
Identifiers: ClinVar variation 1710023 (VCV001710023.6), dbSNP rs2518622579, ClinGen allele CA2577656262.
Genomic context (GRCh38, chr22:20,994,975, plus strand): 5'-GTGATCATGATGAAGGAGTTCGAGCGCCTCTCCTCTCCACTGATAGTGGAGATTGTGCGG[CG>C]GAAGCAGCAGCCGCCCCCTCGCACTCCCTTGGACCAGCCAGTGGACATTGGTAGGGAGCC-3'